The following is an entry in ClinVar:

NM_001083962.2(TCF4):c.790-192C>G

Genes: TCF4 (transcription factor 4; minus strand), LOC126862757 (CDK7 strongly-dependent group 2 enhancer GRCh37_chr18:52936433-52937632; plus strand). Cytogenetic location: 18q21.2.
Variant type: single nucleotide variant.
Coding change: c.790-192C>G on transcript NM_001083962.2 (MANE Select); 192 bases into the intron before coding-DNA position 790, C replaced by G.
Molecular consequence: intron variant.
Genome position (GRCh38, 1-based): chr18:55,270,155, G>C on the plus strand (C>G on the coding strand, the complement: TCF4 is on the minus strand). VCF-style: chr18-55270155-G-C. GRCh37 (hg19) VCF-style: chr18-52937386-G-C.
Other names: c.1096-192C>G (NM_001243226.3); c.715-192C>G (NM_001369584.1, NM_001369576.1, NM_001369585.1 and 3 more transcripts); c.718-192C>G (NM_001369577.1, NM_001369582.1, NM_001243227.2 and 9 more transcripts); c.790-192C>G (NM_001369571.1, NM_001369567.1, NM_001369572.1 and 4 more transcripts); c.808-192C>G (NM_001243228.2); c.784-192C>G (NM_001243230.2); c.787-192C>G (NM_001369569.1, NM_001369573.1, NM_001369570.1); c.664-192C>G (NM_001243231.2, NM_001348211.2); and 4 more.
Identifiers: ClinVar variation 676979 (VCV000676979.1), dbSNP rs73488965, ClinGen allele CA14562087.

ClinVar aggregate classification (germline): Benign (1 of 4 stars; one submission).

Allele frequency attached by ClinVar (database versions not stated): gnomAD 0.04090; TOPMed 0.04473; 1000 Genomes Project 0.05771; 1000 Genomes Project 30x 0.05949.
gnomAD v4.1: 6,781 of 152,180 alleles (4.5%); highest among the groups gnomAD compares: African/African-American, 11%; 289 homozygotes.

Submission:

GeneDx
Classification: Benign. Last evaluated: 2018-06-14. Review status: criteria provided, single submitter. Criteria: GeneDx Variant Classification (06012015). Collection method: clinical testing. Allele origin: germline. Affected: yes.
Comment: This variant is considered likely benign or benign based on one or more of the following criteria: it is a conservative change, it occurs at a poorly conserved position in the protein, it is predicted to be benign by multiple in silico algorithms, and/or has population frequency not consistent with disease.